The following is an entry in ClinVar:

NM_001267550.2(TTN):c.85922C>G (p.Pro28641Arg)

Genes: TTN (titin; minus strand), TTN-AS1 (TTN antisense RNA 1; plus strand). Cytogenetic location: 2q31.2.
Variant type: single nucleotide variant.
Coding change: c.85922C>G on transcript NM_001267550.2 (MANE Select); coding-DNA position 85922, C replaced by G.
Protein change: p.Pro28641Arg; replaces proline 28641 with arginine.
Molecular consequence: missense variant.
Genome position (GRCh38, 1-based): chr2:178,560,210, G>C on the plus strand (C>G on the coding strand, the complement: TTN is on the minus strand). VCF-style: chr2-178560210-G-C. GRCh37 (hg19) VCF-style: chr2-179424937-G-C.
Other names: c.80999C>G, p.Pro27000Arg (NM_001256850.1); c.58727C>G, p.Pro19576Arg (NM_003319.4); c.78218C>G, p.Pro26073Arg (NM_133378.4); c.59102C>G, p.Pro19701Arg (NM_133432.3); c.59303C>G, p.Pro19768Arg (NM_133437.4); short protein forms P19576R, P19768R, P26073R, P27000R, P19701R, P28641R.
Identifiers: ClinVar variation 1750205 (VCV001750205.2), dbSNP rs1411472799, ClinGen allele CA349547393.
Genomic context (GRCh38, chr2:178,560,210, plus strand): 5'-ACAATTTTGGGTTTGGATGGAGGAGATGGTAGGAACACTGGATCTTCTGCCCTAATTAAG[G>C]GAGAGGTTTCACTTGGAAGACTTAGGCCAGCAGCATTTTCTGCATAAACACGATATTCAT-3'
Protein context (NP_001254479.2, residues 28631-28651): AGLSLPSETS[Pro28641Arg]LIRAEDPVFL

ClinVar aggregate classification (germline): Uncertain significance (1 of 4 stars; one submission).

Conditions:
Cardiovascular phenotype. Identifiers: MedGen CN230736.

Allele frequency attached by ClinVar (database versions not stated): gnomAD exomes below 0.00001.
gnomAD v4.1: 1 of 1,613,700 alleles (0.000062%); highest among the groups gnomAD compares: Non-Finnish European, 0.000085%; no homozygotes.

Submission:

Ambry Genetics
Classification: Uncertain significance for Cardiovascular phenotype. Last evaluated: 2020-03-12. Review status: criteria provided, single submitter. Criteria: Ambry Variant Classification Scheme 2023. Collection method: clinical testing. Allele origin: germline.
Comment: The p.P19576R variant (also known as c.58727C>G), located in coding exon 153 of the TTN gene, results from a C to G substitution at nucleotide position 58727. The proline at codon 19576 is replaced by arginine, an amino acid with dissimilar properties. This amino acid position is well conserved in available vertebrate species. In addition, this alteration is predicted to be tolerated by in silico analysis. Since supporting evidence is limited at this time, the clinical significance of this alteration remains unclear.